The following is an entry in ClinVar:

NM_199420.4(POLQ):c.7294A>G (p.Lys2432Glu)

Gene: POLQ (DNA polymerase theta; minus strand). Cytogenetic location: 3q13.33.
Variant type: single nucleotide variant.
Coding change: c.7294A>G on transcript NM_199420.4 (MANE Select); coding-DNA position 7294, A replaced by G.
Protein change: p.Lys2432Glu; replaces lysine 2432 with glutamic acid.
Molecular consequence: missense variant.
Genome position (GRCh38, 1-based): chr3:121,440,087, T>C on the plus strand (A>G on the coding strand, the complement: POLQ is on the minus strand). VCF-style: chr3-121440087-T-C. GRCh37 (hg19) VCF-style: chr3-121158934-T-C.
Other names: short protein forms K2432E.
Identifiers: ClinVar variation 3422558 (VCV003422558.1).

ClinVar aggregate classification (germline): Uncertain significance (1 of 4 stars; one submission).

Submission:

Ambry Genetics
Classification: Uncertain significance. Last evaluated: 2024-09-19. Review status: criteria provided, single submitter. Criteria: Ambry Variant Classification Scheme 2023. Collection method: clinical testing. Allele origin: germline.
Comment: The p.K2432E variant (also known as c.7294A>G), located in coding exon 27 of the POLQ gene, results from an A to G substitution at nucleotide position 7294. The lysine at codon 2432 is replaced by glutamic acid, an amino acid with similar properties. This amino acid position is conserved. In addition, the in silico prediction for this alteration is inconclusive. Based on the available evidence, the clinical significance of this variant remains unclear.